The following is an entry in ClinVar:

ClinVar aggregate classification (germline): Likely benign (1 of 4 stars; one submission).

Allele frequency attached by ClinVar (database versions not stated): gnomAD 0.00085; ExAC 0.00096; ESP Exome Variant Server 0.00100; TOPMed 0.00071.
gnomAD v4.1: 1,751 of 1,588,770 alleles (0.11%); highest among the groups gnomAD compares: Non-Finnish European, 0.14%; 5 homozygotes.

Submission:

CeGaT Center for Human Genetics Tuebingen
Classification: Likely benign. Last evaluated: 2022-09-01. Review status: criteria provided, single submitter. Criteria: CeGaT Center For Human Genetics Tuebingen Variant Classification Criteria Version 2. Collection method: clinical testing. Allele origin: germline. Affected: yes. Observed: 1 variant allele.
Comment: PCBD1: BP4, BS2

NM_000281.4(PCBD1):c.136-25C>G

Gene: PCBD1 (pterin-4 alpha-carbinolamine dehydratase 1; minus strand). Cytogenetic location: 10q22.1.
Variant type: single nucleotide variant.
Coding change: c.136-25C>G on transcript NM_000281.4 (MANE Select); 25 bases into the intron before coding-DNA position 136, C replaced by G.
Molecular consequence: intron variant.
Genome position (GRCh38, 1-based): chr10:70,885,257, G>C on the plus strand (C>G on the coding strand, the complement: PCBD1 is on the minus strand). VCF-style: chr10-70885257-G-C. GRCh37 (hg19) VCF-style: chr10-72645014-G-C.
Other names: c.136-25C>G (NM_001323004.2); c.-12-25C>G (NM_001289797.2).
Identifiers: ClinVar variation 2640563 (VCV002640563.24), dbSNP rs367896751, ClinGen allele CA5541617.